The following is an entry in ClinVar:

ClinVar aggregate classification (germline): Uncertain significance (1 of 4 stars; one submission).

Allele frequency attached by ClinVar (database versions not stated): gnomAD 0.00002; gnomAD exomes 0.00002; TOPMed 0.00003.
gnomAD v4.1: 25 of 1,614,022 alleles (0.0015%); highest among the groups gnomAD compares: Non-Finnish European, 0.0019%; no homozygotes.

Submission:

Labcorp Genetics (formerly Invitae), Labcorp
Classification: Uncertain significance. Last evaluated: 2022-05-11. Review status: criteria provided, single submitter. Criteria: Invitae Variant Classification Sherloc (09022015). Collection method: clinical testing. Allele origin: germline.
Comment: This sequence change affects codon 98 of the DEF6 mRNA. It is a 'silent' change, meaning that it does not change the encoded amino acid sequence of the DEF6 protein. This variant is present in population databases (no rsID available, gnomAD 0.004%). This variant has not been reported in the literature in individuals affected with DEF6-related conditions. Algorithms developed to predict the effect of sequence changes on RNA splicing suggest that this variant may create or strengthen a splice site. In summary, the available evidence is currently insufficient to determine the role of this variant in disease. Therefore, it has been classified as a Variant of Uncertain Significance.

NM_022047.4(DEF6):c.294G>A (p.Thr98=)

Gene: DEF6 (DEF6 guanine nucleotide exchange factor; plus strand). Cytogenetic location: 6p21.31.
Variant type: single nucleotide variant.
Coding change: c.294G>A on transcript NM_022047.4 (MANE Select); coding-DNA position 294, G replaced by A.
Protein change: p.Thr98=; no amino-acid change (threonine 98 retained).
Molecular consequence: synonymous variant.
Genome position (GRCh38, 1-based): chr6:35,310,515, G>A. VCF-style: chr6-35310515-G-A. GRCh37 (hg19) VCF-style: chr6-35278292-G-A.
Identifiers: ClinVar variation 2048282 (VCV002048282.1), dbSNP rs997238074, ClinGen allele CA137278911.